The following is an entry in ClinVar:

NM_000102.4(CYP17A1):c.1096G>C (p.Val366Leu)

Gene: CYP17A1 (cytochrome P450 family 17 subfamily A member 1; minus strand). Cytogenetic location: 10q24.32.
Variant type: single nucleotide variant.
Coding change: c.1096G>C on transcript NM_000102.4 (MANE Select); coding-DNA position 1096, G replaced by C.
Protein change: p.Val366Leu; replaces valine 366 with leucine.
Molecular consequence: missense variant.
Genome position (GRCh38, 1-based): chr10:102,832,554, C>G on the plus strand (G>C on the coding strand, the complement: CYP17A1 is on the minus strand). VCF-style: chr10-102832554-C-G. GRCh37 (hg19) VCF-style: chr10-104592311-C-G.
Other names: short protein forms V366L.
Identifiers: ClinVar variation 3636952 (VCV003636952.2).

ClinVar aggregate classification (germline): Pathogenic (1 of 4 stars; one submission).

Submission:

Labcorp Genetics (formerly Invitae), Labcorp
Classification: Pathogenic. Last evaluated: 2025-01-24. Review status: criteria provided, single submitter. Criteria: Invitae Variant Classification Sherloc (09022015). Collection method: clinical testing. Allele origin: germline.
Comment: This sequence change replaces valine, which is neutral and non-polar, with leucine, which is neutral and non-polar, at codon 366 of the CYP17A1 protein (p.Val366Leu). This variant is not present in population databases (gnomAD no frequency). This missense change has been observed in individual(s) with CYP17A1-related conditions (internal data). In at least one individual the data is consistent with being in trans (on the opposite chromosome) from a pathogenic variant. Invitae Evidence Modeling of protein sequence and biophysical properties (such as structural, functional, and spatial information, amino acid conservation, physicochemical variation, residue mobility, and thermodynamic stability) indicates that this missense variant is expected to disrupt CYP17A1 protein function with a positive predictive value of 95%. Algorithms developed to predict the effect of sequence changes on RNA splicing suggest that this variant may create or strengthen a splice site. This variant disrupts the p.Val366 amino acid residue in CYP17A1. Other variant(s) that disrupt this residue have been determined to be pathogenic (PMID: 29710837). This suggests that this residue is clinically significant, and that variants that disrupt this residue are likely to be disease-causing. For these reasons, this variant has been classified as Pathogenic.

Literature cited by the submitters: PubMed 29710837.